The following is an entry in ClinVar:

NM_001365999.1(SZT2):c.7707T>G (p.Ala2569=)

Gene: SZT2 (SZT2 subunit of KICSTOR complex; plus strand). Cytogenetic location: 1p34.2.
Variant type: single nucleotide variant.
Coding change: c.7707T>G on transcript NM_001365999.1 (MANE Select); coding-DNA position 7707, T replaced by G.
Protein change: p.Ala2569=; no amino-acid change (alanine 2569 retained).
Molecular consequence: synonymous variant.
Genome position (GRCh38, 1-based): chr1:43,441,783, T>G. VCF-style: chr1-43441783-T-G. GRCh37 (hg19) VCF-style: chr1-43907454-T-G.
Other names: c.7536T>G, p.Ala2512= (NM_015284.4).
Identifiers: ClinVar variation 3031346 (VCV003031346.2), dbSNP rs2545851233, ClinGen allele CA417550773.

ClinVar aggregate classification (germline): Likely benign (0 of 4 stars; one submission).

Conditions:
SZT2-related disorder. Also called: SZT2-related condition.

Submission:

PreventionGenetics, part of Exact Sciences
Classification: Likely benign for SZT2-related condition. Last evaluated: 2021-03-30. Review status: no assertion criteria provided. Collection method: clinical testing. Allele origin: germline.
Comment: This variant is classified as likely benign based on ACMG/AMP sequence variant interpretation guidelines (Richards et al. 2015 PMID: 25741868, with internal and published modifications).